The following is an entry in ClinVar:

ClinVar aggregate classification (germline): Uncertain significance (1 of 4 stars; one submission).

Conditions:
Marfan syndrome (MFS). Also called: MARFAN SYNDROME, TYPE I; Marfan syndrome type 1; Marfan's syndrome; Marfan syndrome, classic; FBN1-Related Marfan Syndrome. Identifiers: Orphanet 284963, Orphanet 558, MedGen C0024796, MONDO:0007947, OMIM 154700.
Familial thoracic aortic aneurysm and aortic dissection (TAAD). Also called: Thoracic aortic aneurysms and dissections. Identifiers: Orphanet 91387, MedGen C4707243, MONDO:0019625.

gnomAD v4.1: 3 of 1,613,972 alleles (0.00019%); highest among the groups gnomAD compares: Non-Finnish European, 0.00025%; no homozygotes.

Submission:

Labcorp Genetics (formerly Invitae), Labcorp
Classification: Uncertain significance for Marfan syndrome; Familial thoracic aortic aneurysm and aortic dissection. Last evaluated: 2021-04-12. Review status: criteria provided, single submitter. Criteria: Invitae Variant Classification Sherloc (09022015). Collection method: clinical testing. Allele origin: germline.
Comment: This variant is not present in population databases (ExAC no frequency). This sequence change replaces serine with asparagine at codon 1788 of the FBN1 protein (p.Ser1788Asn). The serine residue is highly conserved and there is a small physicochemical difference between serine and asparagine. This variant has been observed in individual(s) with clinical features of Marfan syndrome (Invitae). Advanced modeling of protein sequence and biophysical properties (such as structural, functional, and spatial information, amino acid conservation, physicochemical variation, residue mobility, and thermodynamic stability) performed at Invitae indicates that this missense variant is expected to disrupt FBN1 protein function. This variant disrupts the p.Ser1788 amino acid residue in FBN1. Other variant(s) that disrupt this residue have been observed in individuals with FBN1-related conditions (PMID: 29907982), which suggests that this may be a clinically significant amino acid residue. In summary, the available evidence is currently insufficient to determine the role of this variant in disease. Therefore, it has been classified as a Variant of Uncertain Significance.

Literature cited by the submitters: PubMed 29907982.

NM_000138.5(FBN1):c.5363G>A (p.Ser1788Asn)

Gene: FBN1 (fibrillin 1; minus strand). Cytogenetic location: 15q21.1.
Variant type: single nucleotide variant.
Coding change: c.5363G>A on transcript NM_000138.5 (MANE Select); coding-DNA position 5363, G replaced by A.
Protein change: p.Ser1788Asn; replaces serine 1788 with asparagine.
Molecular consequence: missense variant.
Genome position (GRCh38, 1-based): chr15:48,456,696, C>T on the plus strand (G>A on the coding strand, the complement: FBN1 is on the minus strand). VCF-style: chr15-48456696-C-T. GRCh37 (hg19) VCF-style: chr15-48748893-C-T.
Other names: short protein forms S1788N.
Identifiers: ClinVar variation 1450245 (VCV001450245.8), dbSNP rs1303042338, ClinGen allele CA392346071.